The following is an entry in ClinVar:

ClinVar aggregate classification (germline): Uncertain significance. Review status: reviewed by expert panel (3 of 4 stars). 3 submissions from 3 submitters: Uncertain significance (1). 2 of the submissions do not count toward it. Last evaluated 2024-09-16.

Conditions:
Hereditary thrombocytopenia and hematological cancer predisposition syndrome associated with RUNX1. Also called: PLATELET DISORDER, ASPIRIN-LIKE; RUNX1 Familial Platelet Disorder with Associated Myeloid Malignancies; Familial Platelet Disorder with Propensity to Acute Myelogenous Leukemia; Familial thrombocytopenia with propensity to acute myelogenous leukemia. Identifiers: Orphanet 71290, MedGen C1832388, MeSH C563324, MONDO:0100083, OMIM 601399.
Hereditary thrombocytopenia and hematologic cancer predisposition syndrome. Identifiers: Orphanet 71290, MedGen CN281654, MONDO:0011071.
Inborn genetic diseases. Identifiers: MedGen C0950123, MeSH D030342.

Allele frequency attached by ClinVar (database versions not stated): gnomAD exomes 0.00001.
gnomAD v4.1: 8 of 1,507,630 alleles (0.00053%); highest among the groups gnomAD compares: Non-Finnish European, 0.0007%; no homozygotes.

Submissions (3):

ClinGen Myeloid Malignancy Variant Curation Expert Panel
Classification: Uncertain significance for Hereditary thrombocytopenia and hematologic cancer predisposition syndrome. Last evaluated: 2024-09-16. Review status: reviewed by expert panel. Criteria: ClinGen MyeloMalig ACMG Specifications v2. Collection method: curation. Allele origin: germline. Inheritance: Autosomal dominant inheritance.
Comment: NM_001754.5(RUNX1):c.1423G>A (p.Ala475Thr) is a missense variant which has a REVEL score < 0.50 (0.142) and a SpliceAI score ≤ 0.20 (0.0) (BP4). This variant is completely absent from all population databases with at least 20x coverage for RUNX1 (PM2_supporting). In summary, the clinical significance of this variant is uncertain. ACMG/AMP criteria applied, as specified by the Myeloid Malignancy Variant Curation Expert Panel for RUNX1: PM2_supporting, BP4.

Ambry Genetics
Classification: Uncertain significance for Inborn genetic diseases. Last evaluated: 2026-06-24. Review status: criteria provided, single submitter. Criteria: Ambry Variant Classification Scheme 2023. Collection method: clinical testing. Allele origin: germline. Not counted in ClinVar's aggregate classification.

Labcorp Genetics (formerly Invitae), Labcorp
Classification: Uncertain significance for Hereditary thrombocytopenia and hematological cancer predisposition syndrome associated with RUNX1. Last evaluated: 2025-06-16. Review status: criteria provided, single submitter. Criteria: Invitae Variant Classification Sherloc (09022015). Collection method: clinical testing. Allele origin: germline. Not counted in ClinVar's aggregate classification.
Comment: This sequence change replaces alanine, which is neutral and non-polar, with threonine, which is neutral and polar, at codon 475 of the RUNX1 protein (p.Ala475Thr). This variant is not present in population databases (gnomAD no frequency). This variant has not been reported in the literature in individuals affected with RUNX1-related conditions. ClinVar contains an entry for this variant (Variation ID: 942577). Invitae Evidence Modeling of protein sequence and biophysical properties (such as structural, functional, and spatial information, amino acid conservation, physicochemical variation, residue mobility, and thermodynamic stability) has been performed for this missense variant. However, the output from this modeling did not meet the statistical confidence thresholds required to predict the impact of this variant on RUNX1 protein function. In summary, the available evidence is currently insufficient to determine the role of this variant in disease. Therefore, it has been classified as a Variant of Uncertain Significance.

NM_001754.5(RUNX1):c.1423G>A (p.Ala475Thr)

Gene: RUNX1 (RUNX family transcription factor 1; minus strand). Cytogenetic location: 21q22.12.
Variant type: single nucleotide variant.
Coding change: c.1423G>A on transcript NM_001754.5 (MANE Select); coding-DNA position 1423, G replaced by A.
Protein change: p.Ala475Thr; replaces alanine 475 with threonine.
Molecular consequence: missense variant.
Genome position (GRCh38, 1-based): chr21:34,792,155, C>T on the plus strand (G>A on the coding strand, the complement: RUNX1 is on the minus strand). VCF-style: chr21-34792155-C-T. GRCh37 (hg19) VCF-style: chr21-36164452-C-T.
Other names: NM_001754.5(RUNX1):c.1423G>A; p.Ala475Thr; c.1342G>A, p.Ala448Thr (NM_001001890.3); short protein forms A448T, A475T.
Identifiers: ClinVar variation 942577 (VCV000942577.12), dbSNP rs2056446865, ClinGen allele CA410146634.